The following is an entry in ClinVar:

ClinVar aggregate classification (germline): Benign/Likely benign. Review status: criteria provided, multiple submitters, no conflicts (2 of 4 stars). 3 submissions from 3 submitters: Benign (1); Likely benign (1). 1 of the submissions does not count toward it. Last evaluated 2025-11-23.

Conditions:
TNFRSF9-related disorder. Also called: TNFRSF9-related condition.

Submissions (3):

Labcorp Genetics (formerly Invitae), Labcorp
Classification: Benign. Last evaluated: 2025-11-23. Review status: criteria provided, single submitter. Criteria: Invitae Variant Classification Sherloc (09022015). Collection method: clinical testing. Allele origin: germline.

Blueprint Genetics
Classification: Likely benign. Last evaluated: 2024-11-24. Review status: criteria provided, single submitter. Criteria: ACMG Guidelines, 2015. Collection method: clinical testing. Allele origin: germline.

PreventionGenetics, part of Exact Sciences
Classification: Likely benign for TNFRSF9-related condition. Last evaluated: 2020-06-11. Review status: no assertion criteria provided. Collection method: clinical testing. Allele origin: germline. Not counted in ClinVar's aggregate classification.
Comment: This variant is classified as likely benign based on ACMG/AMP sequence variant interpretation guidelines (Richards et al. 2015 PMID: 25741868, with internal and published modifications).

NM_001561.6(TNFRSF9):c.680-12dup

Gene: TNFRSF9 (TNF receptor superfamily member 9; minus strand). Cytogenetic location: 1p36.23.
Variant type: Duplication.
Coding change: c.680-12dup on transcript NM_001561.6 (MANE Select); 12 bases into the intron before coding-DNA position 680, one base duplicated (T; older notation c.680-12dupT).
Molecular consequence: intron variant.
Genome position (GRCh38, 1-based): chr1:7,920,926, A duplicated on the plus strand (T on the coding strand, the reverse complement: TNFRSF9 is on the minus strand); the first of 10 consecutive A bases (chr1:7,920,926-7,920,935); duplicating any one gives the same sequence. VCF-style (leftmost placement, unchanged base first): chr1-7920925-T-TA. GRCh37 (hg19) VCF-style: chr1-7980985-T-TA.
Other names: c.680-3dupT (NM_001561.5).
Identifiers: ClinVar variation 1165231 (VCV001165231.12), dbSNP rs767796238, ClinGen allele CA569124.
Genomic context (GRCh38, chr1:7,920,925, plus strand): 5'-TGGAAATCGGCAGCTACAGCCATCTTCCTCTTGAGTAGTTTGTACTGGTCTCATAAATGC[T>TA]AAAAAAAAAATTTTAAGATACGTATATTTTGTTGTCTATTTGAATCATTTAACACTTATT-3'